The following is an entry in ClinVar:

NC_000007.14:g.(?_5986749)_(5989965_?)del

Gene: PMS2 (PMS1 homolog 2, mismatch repair system component; minus strand). Cytogenetic location: 7p22.1.
Variant type: Deletion.
Identifiers: ClinVar variation 665635 (VCV000665635.4).

ClinVar aggregate classification (germline): Pathogenic (1 of 4 stars; one submission).

Conditions:
Hereditary nonpolyposis colorectal neoplasms. Identifiers: MedGen C0009405, MeSH D003123.

Submission:

Labcorp Genetics (formerly Invitae), Labcorp
Classification: Pathogenic for Hereditary nonpolyposis colorectal neoplasms. Last evaluated: 2020-06-07. Review status: criteria provided, single submitter. Criteria: Invitae Variant Classification Sherloc (09022015). Collection method: clinical testing. Allele origin: germline.
Comment: For these reasons, this variant has been classified as Pathogenic. Loss-of-function variants in PMS2 are known to be pathogenic (PMID: 21376568, 24362816). This variant has not been reported in the literature in individuals with PMS2-related conditions. This variant is an out-of-frame deletion of the genomic region encompassing exons 10-11 of the PMS2 gene. This is expected to create a premature translational stop signal and result in an absent or disrupted protein product.

Literature cited by the submitters: PubMed 21376568; PubMed 24362816.